The following is an entry in ClinVar:

NM_001292063.2(OTOG):c.6224G>A (p.Arg2075His)

Gene: OTOG (otogelin; plus strand). Cytogenetic location: 11p15.1.
Variant type: single nucleotide variant.
Coding change: c.6224G>A on transcript NM_001292063.2 (MANE Select); coding-DNA position 6224, G replaced by A.
Protein change: p.Arg2075His; replaces arginine 2075 with histidine.
Molecular consequence: missense variant.
Genome position (GRCh38, 1-based): chr11:17,612,262, G>A. VCF-style: chr11-17612262-G-A. GRCh37 (hg19) VCF-style: chr11-17633809-G-A.
Other names: c.6260G>A, p.Arg2087His (NM_001277269.2); short protein forms R2075H, R2087H.
Identifiers: ClinVar variation 1497667 (VCV001497667.6), dbSNP rs925550621, ClinGen allele CA218478248.

ClinVar aggregate classification (germline): Uncertain significance (1 of 4 stars; one submission).

Allele frequency attached by ClinVar (database versions not stated): gnomAD exomes 0.00001.
gnomAD v4.1: 9 of 1,546,276 alleles (0.00058%); highest among the groups gnomAD compares: Admixed American, 0.002%; no homozygotes.

Submission:

Labcorp Genetics (formerly Invitae), Labcorp
Classification: Uncertain significance. Last evaluated: 2023-07-07. Review status: criteria provided, single submitter. Criteria: Invitae Variant Classification Sherloc (09022015). Collection method: clinical testing. Allele origin: germline.
Comment: This sequence change replaces arginine, which is basic and polar, with histidine, which is basic and polar, at codon 2087 of the OTOG protein (p.Arg2087His). The frequency data for this variant in the population databases is considered unreliable, as metrics indicate poor data quality at this position in the gnomAD database. This variant has not been reported in the literature in individuals affected with OTOG-related conditions. ClinVar contains an entry for this variant (Variation ID: 1497667). Algorithms developed to predict the effect of missense changes on protein structure and function output the following: SIFT: "Not Available"; PolyPhen-2: "Benign"; Align-GVGD: "Not Available". The histidine amino acid residue is found in multiple mammalian species, which suggests that this missense change does not adversely affect protein function. In summary, the available evidence is currently insufficient to determine the role of this variant in disease. Therefore, it has been classified as a Variant of Uncertain Significance.